The following is an entry in ClinVar:

NM_001134363.3(RBM20):c.472G>A (p.Ala158Thr)

Gene: RBM20 (RNA binding motif protein 20; plus strand). Cytogenetic location: 10q25.2.
Variant type: single nucleotide variant.
Coding change: c.472G>A on transcript NM_001134363.3 (MANE Select); coding-DNA position 472, G replaced by A.
Protein change: p.Ala158Thr; replaces alanine 158 with threonine.
Molecular consequence: missense variant.
Genome position (GRCh38, 1-based): chr10:110,781,081, G>A. VCF-style: chr10-110781081-G-A. GRCh37 (hg19) VCF-style: chr10-112540839-G-A.
Other names: short protein forms A158T.
Identifiers: ClinVar variation 3233217 (VCV003233217.3), dbSNP rs2493410173, ClinGen allele CA378380583.

ClinVar aggregate classification (germline): Conflicting classifications of pathogenicity. Review status: criteria provided, conflicting classifications (1 of 4 stars). 2 submissions from 2 submitters: Uncertain significance (1); Likely benign (1). Last evaluated 2024-05-21.

Conditions:
Cardiovascular phenotype. Identifiers: MedGen CN230736.
Dilated cardiomyopathy 1DD (CMD1DD). Identifiers: Orphanet 154, MedGen C2750995, MONDO:0013168, OMIM 613172.

Submissions (2):

Labcorp Genetics (formerly Invitae), Labcorp
Classification: Uncertain significance for Dilated cardiomyopathy 1DD. Last evaluated: 2024-05-21. Review status: criteria provided, single submitter. Criteria: Invitae Variant Classification Sherloc (09022015). Collection method: clinical testing. Allele origin: germline.
Comment: This sequence change replaces alanine, which is neutral and non-polar, with threonine, which is neutral and polar, at codon 158 of the RBM20 protein (p.Ala158Thr). This variant is not present in population databases (gnomAD no frequency). This variant has not been reported in the literature in individuals affected with RBM20-related conditions. Advanced modeling of protein sequence and biophysical properties (such as structural, functional, and spatial information, amino acid conservation, physicochemical variation, residue mobility, and thermodynamic stability) performed at Invitae indicates that this missense variant is not expected to disrupt RBM20 protein function with a negative predictive value of 95%. In summary, the available evidence is currently insufficient to determine the role of this variant in disease. Therefore, it has been classified as a Variant of Uncertain Significance.

Ambry Genetics
Classification: Likely benign for Cardiovascular phenotype. Last evaluated: 2023-10-16. Review status: criteria provided, single submitter. Criteria: Ambry Variant Classification Scheme 2023. Collection method: clinical testing. Allele origin: germline.